The following is an entry in ClinVar:

ClinVar aggregate classification (germline): Uncertain significance. Review status: criteria provided, multiple submitters, no conflicts (2 of 4 stars). 2 submissions from 2 submitters: Uncertain significance (2). Last evaluated 2026-01-19.

Conditions:
Early-infantile DEE. Also called: Ohtahara syndrome; Early infantile epileptic encephalopathy; Early infantile epileptic encephalopathy with suppression bursts. Identifiers: Orphanet 1934, MedGen C0393706, MONDO:0800491.

Allele frequency attached by ClinVar (database versions not stated): TOPMed below 0.00001; gnomAD exomes 0.00001 and 0.00002; ExAC 0.00002; gnomAD 0.00002.

Submissions (2):

Labcorp Genetics (formerly Invitae), Labcorp
Classification: Uncertain significance for Early-infantile DEE. Last evaluated: 2026-01-19. Review status: criteria provided, single submitter. Criteria: Invitae Variant Classification Sherloc (09022015). Collection method: clinical testing. Allele origin: germline.
Comment: This sequence change replaces asparagine, which is neutral and polar, with serine, which is neutral and polar, at codon 244 of the SLC25A22 protein (p.Asn244Ser). This variant is present in population databases (rs778299128, gnomAD 0.003%). This variant has not been reported in the literature in individuals affected with SLC25A22-related conditions. ClinVar contains an entry for this variant (Variation ID: 950423). Invitae Evidence Modeling of protein sequence and biophysical properties (such as structural, functional, and spatial information, amino acid conservation, physicochemical variation, residue mobility, and thermodynamic stability) indicates that this missense variant is not expected to disrupt SLC25A22 protein function with a negative predictive value of 80%. In summary, the available evidence is currently insufficient to determine the role of this variant in disease. Therefore, it has been classified as a Variant of Uncertain Significance.

GeneDx
Classification: Uncertain significance. Last evaluated: 2020-05-07. Review status: criteria provided, single submitter. Criteria: GeneDx Variant Classification Process June 2021. Collection method: clinical testing. Allele origin: germline. Affected: yes.
Comment: Not observed at a significant frequency in large population cohorts (Lek et al., 2016); In silico analysis supports that this missense variant does not alter protein structure/function; Has not been previously published as pathogenic or benign to our knowledge

NM_001191061.2(SLC25A22):c.731A>G (p.Asn244Ser)

Gene: SLC25A22 (solute carrier family 25 member 22; minus strand). Cytogenetic location: 11p15.5.
Variant type: single nucleotide variant.
Coding change: c.731A>G on transcript NM_001191061.2 (MANE Select); coding-DNA position 731, A replaced by G.
Protein change: p.Asn244Ser; replaces asparagine 244 with serine.
Molecular consequence: missense variant.
Genome position (GRCh38, 1-based): chr11:792,315, T>C on the plus strand (A>G on the coding strand, the complement: SLC25A22 is on the minus strand). VCF-style: chr11-792315-T-C. GRCh37 (hg19) VCF-style: chr11-792315-T-C.
Other names: c.731A>G, p.Asn244Ser (NM_001191060.2, NM_024698.6); short protein forms N244S.
Identifiers: ClinVar variation 950423 (VCV000950423.12), dbSNP rs778299128, ClinGen allele CA5789085.
Genomic context (GRCh38, chr11:792,315, plus strand): 5'-GGGCTCAGTCCCGCCCCATCCCCAGCCGGGCGCCATCCCATGCACTGACCATCACAGGGG[T>C]TGACGGCCACAGCGGCGGCACTCCCAGCCACACAGCCGGCCAGGAAGGACACGTAGAAAG-3'
Protein context (NP_001177990.1, residues 234-254): VAGSAAAVAV[Asn244Ser]PCDVVKTRLQ